The following is an entry in ClinVar:

NM_016111.4(TELO2):c.200C>A (p.Ala67Asp)

Gene: TELO2 (telomere maintenance 2; plus strand). Cytogenetic location: 16p13.3.
Variant type: single nucleotide variant.
Coding change: c.200C>A on transcript NM_016111.4 (MANE Select); coding-DNA position 200, C replaced by A.
Protein change: p.Ala67Asp; replaces alanine 67 with aspartic acid.
Molecular consequence: missense variant.
Genome position (GRCh38, 1-based): chr16:1,494,481, C>A. VCF-style: chr16-1494481-C-A. GRCh37 (hg19) VCF-style: chr16-1544482-C-A.
Other names: c.200C>A, p.Ala67Asp (NM_001351846.2); short protein forms A67D.
Identifiers: ClinVar variation 1997330 (VCV001997330.4), dbSNP rs373286620, ClinGen allele CA394205652.

ClinVar aggregate classification (germline): Uncertain significance (1 of 4 stars; one submission).

Submission:

Labcorp Genetics (formerly Invitae), Labcorp
Classification: Uncertain significance. Last evaluated: 2022-07-03. Review status: criteria provided, single submitter. Criteria: Invitae Variant Classification Sherloc (09022015). Collection method: clinical testing. Allele origin: germline.
Comment: Algorithms developed to predict the effect of missense changes on protein structure and function are either unavailable or do not agree on the potential impact of this missense change (SIFT: "Deleterious"; PolyPhen-2: "Benign"; Align-GVGD: "Class C0"). In summary, the available evidence is currently insufficient to determine the role of this variant in disease. Therefore, it has been classified as a Variant of Uncertain Significance. This variant has not been reported in the literature in individuals affected with TELO2-related conditions. This variant is not present in population databases (gnomAD no frequency). This sequence change replaces alanine, which is neutral and non-polar, with aspartic acid, which is acidic and polar, at codon 67 of the TELO2 protein (p.Ala67Asp).